The following is an entry in ClinVar:

NM_001048166.1(STIL):c.453+5G>T

Gene: STIL (STIL centriolar assembly protein; minus strand). Cytogenetic location: 1p33.
Variant type: single nucleotide variant.
Coding change: c.453+5G>T on transcript NM_001048166.1 (MANE Select); 5 bases into the intron after coding-DNA position 453, G replaced by T.
Molecular consequence: intron variant.
Genome position (GRCh38, 1-based): chr1:47,301,556, C>A on the plus strand (G>T on the coding strand, the complement: STIL is on the minus strand). VCF-style: chr1-47301556-C-A. GRCh37 (hg19) VCF-style: chr1-47767228-C-A.
Other names: c.453+5G>T (NM_003035.2, NM_001282939.1, NM_001282938.1 and 2 more transcripts).
Identifiers: ClinVar variation 451761 (VCV000451761.2), dbSNP rs863225464, ClinGen allele CA658656937.
Genomic context (GRCh38, chr1:47,301,556, plus strand): 5'-ACAGCATACTAAACATAGTTTGATTCTTGTGTTGAATTAACTATCAAGTTGTCAATGAAT[C>A]GCACCTTTAAAGCTGAACTGAAGTCATCTACACTGTGAACTATCATTTCTCTTGAACAAA-3'

ClinVar aggregate classification (germline): Likely pathogenic (1 of 4 stars; one submission).

Submission:

GeneDx
Classification: Likely pathogenic. Last evaluated: 2017-09-11. Review status: criteria provided, single submitter. Criteria: GeneDx Variant Classification (06012015). Collection method: clinical testing. Allele origin: germline. Affected: yes.
Comment: The c.453+5G>T variant in the STIL gene has not been reported previously as a pathogenic variant nor as a benign variant, to our knowledge. This variant reduces the quality of the splice donor site in intron 5, and is predicted to cause abnormal gene splicing. The c.453+5G>T variant is not observed in large population cohorts (Lek et al., 2016; 1000 Genomes Consortium et al., 2015; Exome Variant Server). We interpret c.453+5G>T as a likely pathogenic variant.